The following is an entry in ClinVar:

ClinVar aggregate classification (germline): Uncertain significance. Review status: criteria provided, multiple submitters, no conflicts (2 of 4 stars). 2 submissions from 2 submitters: Uncertain significance (2). Last evaluated 2025-10-07.

Conditions:
Sinoatrial node dysfunction and deafness (SANDD). Identifiers: Orphanet 324321, MedGen C3554018, MONDO:0013960, OMIM 614896.
Aldosterone-producing adenoma with seizures and neurological abnormalities. Also called: Primary aldosteronism, seizures, and neurologic abnormalities. Identifiers: Orphanet 369929, MedGen C3809609, MONDO:0014200, OMIM 615474.

Allele frequency attached by ClinVar (database versions not stated): gnomAD exomes below 0.00001; gnomAD 0.00001 and 0.00003.
gnomAD v4.1: 6 of 1,613,944 alleles (0.00037%); highest among the groups gnomAD compares: Middle Eastern, 0.049%; no homozygotes.

Submissions (2):

Labcorp Genetics (formerly Invitae), Labcorp
Classification: Uncertain significance. Last evaluated: 2025-10-07. Review status: criteria provided, single submitter. Criteria: Invitae Variant Classification Sherloc (09022015). Collection method: clinical testing. Allele origin: germline.
Comment: This sequence change replaces histidine, which is basic and polar, with tyrosine, which is neutral and polar, at codon 1760 of the CACNA1D protein (p.His1760Tyr). This variant is not present in population databases (gnomAD no frequency). This variant has not been reported in the literature in individuals affected with CACNA1D-related conditions. ClinVar contains an entry for this variant (Variation ID: 1483527). An algorithm developed to predict the effect of missense changes on protein structure and function (PolyPhen-2) suggests that this variant is likely to be tolerated. In summary, the available evidence is currently insufficient to determine the role of this variant in disease. Therefore, it has been classified as a Variant of Uncertain Significance.

Fulgent Genetics
Classification: Uncertain significance for Sinoatrial node dysfunction and deafness; Aldosterone-producing adenoma with seizures and neurological abnormalities. Last evaluated: 2024-03-26. Review status: criteria provided, single submitter. Criteria: ACMG Guidelines, 2015. Collection method: clinical testing. Allele origin: germline.

NM_001128840.3(CACNA1D):c.5218C>T (p.His1740Tyr)

Gene: CACNA1D (calcium voltage-gated channel subunit alpha1 D; plus strand). Cytogenetic location: 3p21.1.
Variant type: single nucleotide variant.
Coding change: c.5218C>T on transcript NM_001128840.3 (MANE Select); coding-DNA position 5218, C replaced by T.
Protein change: p.His1740Tyr; replaces histidine 1740 with tyrosine.
Molecular consequence: missense variant.
Genome position (GRCh38, 1-based): chr3:53,801,235, C>T. VCF-style: chr3-53801235-C-T. GRCh37 (hg19) VCF-style: chr3-53835262-C-T.
Other names: c.5278C>T, p.His1760Tyr (NM_000720.4); c.5173C>T, p.His1725Tyr (NM_001128839.3); short protein forms H1725Y, H1740Y, H1760Y.
Identifiers: ClinVar variation 1483527 (VCV001483527.9), dbSNP rs2095534291, ClinGen allele CA353250641.